The following is an entry in ClinVar:

NM_001165963.4(SCN1A):c.2228del (p.Asn743fs)

Gene: SCN1A (sodium voltage-gated channel alpha subunit 1; minus strand). Cytogenetic location: 2q24.3.
Variant type: Deletion.
Coding change: c.2228del on transcript NM_001165963.4 (MANE Select); coding-DNA position 2228, one base deleted (A; older notation c.2228delA).
Protein change: p.Asn743fs; shifts the reading frame from asparagine 743.
Molecular consequence: frameshift variant. On other transcripts: 5 prime UTR variant (1), non-coding transcript variant (1).
Genome position (GRCh38, 1-based): chr2:166,041,418, T deleted on the plus strand (A on the coding strand, the reverse complement: SCN1A is on the minus strand); the first of 2 consecutive T bases (chr2:166,041,418-166,041,419); deleting either gives the same sequence. VCF-style (leftmost placement, unchanged base first): chr2-166041417-GT-G. GRCh37 (hg19) VCF-style: chr2-166897927-GT-G.
Other names: c.2144del, p.Asn715fs (NM_001165964.3, NM_001353957.2, NM_001353958.2); c.2228del, p.Asn743fs (NM_001202435.3, NM_001353948.2); c.2195del, p.Asn732fs (NM_001353949.2, NM_001353950.2, NM_001353951.2 and 2 more transcripts); c.2192del, p.Asn731fs (NM_001353954.2, NM_001353955.2); c.2141del, p.Asn714fs (NM_001353960.2); c.-231del (NM_001353961.2); short protein forms N714fs, N715fs, N731fs, N732fs, N743fs.
Identifiers: ClinVar variation 4721122 (VCV004721122.1).

ClinVar aggregate classification (germline): Pathogenic (1 of 4 stars; one submission).

Conditions:
Early-infantile DEE. Also called: Early infantile epileptic encephalopathy with suppression bursts; Early infantile epileptic encephalopathy; Ohtahara syndrome. Identifiers: Orphanet 1934, MedGen C0393706, MONDO:0800491.

Submission:

Labcorp Genetics (formerly Invitae), Labcorp
Classification: Pathogenic for Early-infantile DEE. Last evaluated: 2025-06-10. Review status: criteria provided, single submitter. Criteria: Invitae Variant Classification Sherloc (09022015). Collection method: clinical testing. Allele origin: germline.
Comment: This sequence change creates a premature translational stop signal (p.Asn743Thrfs*4) in the SCN1A gene. It is expected to result in an absent or disrupted protein product. Loss-of-function variants in SCN1A are known to be pathogenic (PMID: 17347258, 18930999). This variant is not present in population databases (gnomAD no frequency). This variant has not been reported in the literature in individuals affected with SCN1A-related conditions. For these reasons, this variant has been classified as Pathogenic.

Literature cited by the submitters: PubMed 17347258; PubMed 18930999.